The following is an entry in ClinVar:

ClinVar aggregate classification (germline): Uncertain significance. Review status: criteria provided, single submitter (1 of 4 stars). 2 submissions from 2 submitters: Uncertain significance (1). 1 of the submissions does not count toward it. Last evaluated 2024-04-15.

Conditions:
Ataxia-telangiectasia syndrome (AT). Also called: ATAXIA-TELANGIECTASIA, COMPLEMENTATION GROUP A; ATAXIA-TELANGIECTASIA, FRESNO VARIANT; Ataxia-telangiectasia; Ataxia-telangiectasia, complementation group D; AT, COMPLEMENTATION GROUP C; Ataxia-telangiectasia, complementation group E. Identifiers: Orphanet 100, MedGen C0004135, MONDO:0008840, OMIM 208900.

gnomAD v4.1: 2 of 1,609,554 alleles (0.00012%); no homozygotes.

Submissions (2):

Labcorp Genetics (formerly Invitae), Labcorp
Classification: Uncertain significance for Ataxia-telangiectasia syndrome. Last evaluated: 2024-04-15. Review status: criteria provided, single submitter. Criteria: Invitae Variant Classification Sherloc (09022015). Collection method: clinical testing. Allele origin: germline.
Comment: This sequence change falls in intron 61 of the ATM gene. It does not directly change the encoded amino acid sequence of the ATM protein. It affects a nucleotide within the consensus splice site. This variant is not present in population databases (gnomAD no frequency). This variant has not been reported in the literature in individuals affected with ATM-related conditions. ClinVar contains an entry for this variant (Variation ID: 855302). Variants that disrupt the consensus splice site are a relatively common cause of aberrant splicing (PMID: 17576681, 9536098). Algorithms developed to predict the effect of sequence changes on RNA splicing suggest that this variant may disrupt the consensus splice site. In summary, the available evidence is currently insufficient to determine the role of this variant in disease. Therefore, it has been classified as a Variant of Uncertain Significance.

Natera, Inc.
Classification: Uncertain significance for Ataxia-telangiectasia. Last evaluated: 2021-03-11. Review status: no assertion criteria provided. Collection method: clinical testing. Allele origin: germline. Not counted in ClinVar's aggregate classification.

Literature cited by the submitters: PubMed 17576681 (cited by Labcorp Genetics (formerly Invitae), Labcorp); PubMed 9536098 (cited by Labcorp Genetics (formerly Invitae), Labcorp).

NM_000051.4(ATM):c.8850+6G>C

Genes: ATM (ATM serine/threonine kinase; plus strand), C11orf65 (chromosome 11 open reading frame 65; minus strand). Cytogenetic location: 11q22.3.
Variant type: single nucleotide variant.
Coding change: c.8850+6G>C on transcript NM_000051.4 (MANE Select); 6 bases into the intron after coding-DNA position 8850, G replaced by C.
Molecular consequence: intron variant.
Genome position (GRCh38, 1-based): chr11:108,354,880, G>C. VCF-style: chr11-108354880-G-C. GRCh37 (hg19) VCF-style: chr11-108225607-G-C.
Other names: c.8850+6G>C (NM_001351834.2); c.640+31040C>G (NM_001330368.2); c.695-19588C>G (NM_001351110.2).
Identifiers: ClinVar variation 855302 (VCV000855302.21), dbSNP rs2089704921, ClinGen allele CA916080505.